The following is an entry in ClinVar:

ClinVar aggregate classification (germline): Conflicting classifications of pathogenicity. Review status: criteria provided, conflicting classifications (1 of 4 stars). 6 submissions from 6 submitters: Uncertain significance (5); Benign (1). Last evaluated 2026-08-31.

Conditions:
Vesicoureteral reflux 8 (VUR8). Identifiers: Orphanet 289365, MedGen C4014831, MONDO:0014422, OMIM 615963.
Ehlers-Danlos syndrome due to tenascin-X deficiency (EDSCLL1). Also called: EHLERS-DANLOS SYNDROME, CLASSIC-LIKE; Ehlers-Danlos syndrome, classic-like, 1; TNX DEFICIENCY; EDS DUE TO TNX DEFICIENCY; TNXB-Related Classical-Like Ehlers-Danlos Syndrome. Identifiers: Orphanet 230839, MedGen C1848029, MONDO:0011670, OMIM 606408.
Cardiovascular phenotype. Identifiers: MedGen CN230736.

Allele frequency attached by ClinVar (database versions not stated): 1000 Genomes Project 30x 0.00031.
gnomAD v4.1: 328 of 1,613,382 alleles (0.02%); highest among the groups gnomAD compares: Non-Finnish European, 0.027%; no homozygotes.

Submissions (6):

GeneDx
Classification: Uncertain significance. Last evaluated: 2026-08-31. Review status: criteria provided, single submitter. Criteria: GeneDx Variant Classification Process June 2021. Collection method: clinical testing. Allele origin: germline.
Comment: Has not been previously published as pathogenic or benign to our knowledge; In silico analysis supports that this missense variant has a deleterious effect on protein structure/function

Mayo Clinic Laboratories, Mayo Clinic
Classification: Uncertain significance. Last evaluated: 2025-07-17. Review status: criteria provided, single submitter. Criteria: ACMG Guidelines, 2015. Collection method: clinical testing. Allele origin: germline. Observed: 2 variant alleles.

Women's Health and Genetics/Laboratory Corporation of America, LabCorp
Classification: Uncertain significance. Last evaluated: 2024-12-30. Review status: criteria provided, single submitter. Criteria: LabCorp Variant Classification Summary - May 2015. Collection method: clinical testing. Allele origin: germline.
Comment: Variant summary: TNXB c.8536G>C (p.Gly2846Arg) results in a non-conservative amino acid change located in the Fibronectin type 3 domain (IPR003961) of the encoded protein sequence. Four of five in-silico tools predict a damaging effect of the variant on protein function. The variant allele was found at a frequency of 0.00019 in 245848 control chromosomes. This frequency is not significantly higher than estimated for a pathogenic variant in TNXB causing Ehlers-Danlos syndrome due to tenascin-X deficiency (0.00019 vs 0.0011), allowing no conclusion about variant significance. To our knowledge, no occurrence of c.8536G>C in individuals affected with Ehlers-Danlos syndrome due to tenascin-X deficiency and no experimental evidence demonstrating its impact on protein function have been reported. ClinVar contains an entry for this variant (Variation ID: 425370). Based on the evidence outlined above, the variant was classified as uncertain significance.

Fulgent Genetics
Classification: Uncertain significance for Ehlers-Danlos syndrome due to tenascin-X deficiency; Vesicoureteral reflux 8. Last evaluated: 2021-12-14. Review status: criteria provided, single submitter. Criteria: ACMG Guidelines, 2015. Collection method: clinical testing. Allele origin: unknown.

Ambry Genetics
Classification: Benign for Cardiovascular phenotype. Last evaluated: 2020-04-17. Review status: criteria provided, single submitter. Criteria: Ambry Variant Classification Scheme 2023. Collection method: clinical testing. Allele origin: germline.

CeGaT Center for Human Genetics Tuebingen
Classification: Uncertain significance. Last evaluated: 2016-09-01. Review status: criteria provided, single submitter. Criteria: CeGaT Center For Human Genetics Tuebingen Variant Classification Criteria Version 2. Collection method: clinical testing. Allele origin: germline. Affected: yes. Observed: 1 variant allele.

NM_001365276.2(TNXB):c.8542G>C (p.Gly2848Arg)

Gene: TNXB (tenascin XB; minus strand). Cytogenetic location: 6p21.33.
Variant type: single nucleotide variant.
Coding change: c.8542G>C on transcript NM_001365276.2 (MANE Select); coding-DNA position 8542, G replaced by C.
Protein change: p.Gly2848Arg; replaces glycine 2848 with arginine.
Molecular consequence: missense variant.
Genome position (GRCh38, 1-based): chr6:32,053,637, C>G on the plus strand (G>C on the coding strand, the complement: TNXB is on the minus strand). VCF-style: chr6-32053637-C-G. GRCh37 (hg19) VCF-style: chr6-32021414-C-G.
Other names: p.Gly2846Arg; c.8536G>C, p.Gly2846Arg (NM_019105.8); short protein forms G2846R, G2848R.
Identifiers: ClinVar variation 425370 (VCV000425370.52), dbSNP rs61745355, ClinGen allele CA3733802.